The following is an entry in ClinVar:

ClinVar aggregate classification (germline): Benign/Likely benign. Review status: criteria provided, multiple submitters, no conflicts (2 of 4 stars). 9 submissions from 9 submitters: Benign (2); Likely benign (7). Last evaluated 2026-02-02.

Conditions:
Lymphangiomyomatosis (LAM). Also called: Lymphangioleiomyomatosis; Lymphangioleiomyomatosis, somatic. Identifiers: Orphanet 538, MedGen C0751674, MONDO:0011705, OMIM 606690.
Isolated focal cortical dysplasia type II (FCORD2). Also called: Focal cortical dysplasia type II; CORTICAL DYSPLASIA OF TAYLOR. Identifiers: Orphanet 268994, MedGen C1846385, MONDO:0011818, OMIM 607341, HP:0032051.
Tuberous sclerosis 2 (TSC2). Identifiers: Orphanet 805, MedGen C1860707, MONDO:0013199, OMIM 613254.
Hereditary cancer-predisposing syndrome. Also called: Tumor predisposition; Neoplastic Syndromes, Hereditary; Hereditary Cancer Syndrome; Hereditary neoplastic syndrome. Identifiers: Orphanet 140162, MedGen C0027672, MeSH D009386, MONDO:0015356.
Tuberous sclerosis syndrome (TSC). Also called: Tuberous Sclerosis Complex; Tuberous sclerosis. Identifiers: Orphanet 805, MedGen C0041341, MONDO:0001734.

Allele frequency attached by ClinVar (database versions not stated): gnomAD 0.00001; gnomAD exomes 0.00001 and 0.00002; TOPMed 0.00003; ESP Exome Variant Server 0.00008.
gnomAD v4.1: 18 of 1,612,754 alleles (0.0011%); highest among the groups gnomAD compares: Admixed American, 0.005%; no homozygotes.

Submissions (9):

Labcorp Genetics (formerly Invitae), Labcorp
Classification: Likely benign for Tuberous sclerosis 2. Last evaluated: 2026-02-02. Review status: criteria provided, single submitter. Criteria: Invitae Variant Classification Sherloc (09022015). Collection method: clinical testing. Allele origin: germline.

Myriad Genetics, Inc.
Classification: Benign for Tuberous sclerosis 2. Last evaluated: 2025-05-29. Review status: criteria provided, single submitter. Criteria: Myriad Autosomal Dominant, Autosomal Recessive and X-Linked Classification Criteria (2023). Collection method: clinical testing. Allele origin: unknown.
Comment: This variant is considered benign. This variant is a silent/synonymous amino acid change and it is not expected to impact splicing.

All of Us Research Program, National Institutes of Health
Classification: Likely benign for Tuberous sclerosis syndrome. Last evaluated: 2024-02-05. Review status: criteria provided, single submitter. Criteria: ACMG Guidelines, 2015. Collection method: clinical testing. Allele origin: germline. Inheritance: Autosomal dominant inheritance. Observed: 10 variant alleles, 10 heterozygotes.
Comment: This study involves interpretation of variants in research participants for the purpose of population health screening. Participant phenotype was not available at the time of variant classification. Additional details can be found in publication PMID: 35346344, PMCID: PMC8962531

Color Diagnostics, LLC DBA Color Health
Classification: Likely benign for Tuberous sclerosis syndrome. Last evaluated: 2023-04-05. Review status: criteria provided, single submitter. Criteria: ACMG Guidelines, 2015. Collection method: clinical testing. Allele origin: germline.

Fulgent Genetics
Classification: Likely benign for Lymphangiomyomatosis; Isolated focal cortical dysplasia type II; Tuberous sclerosis 2. Last evaluated: 2022-04-22. Review status: criteria provided, single submitter. Criteria: ACMG Guidelines, 2015. Collection method: clinical testing. Allele origin: unknown.

Genome-Nilou Lab
Classification: Benign for Tuberous sclerosis 2. Last evaluated: 2021-11-07. Review status: criteria provided, single submitter. Criteria: ACMG Guidelines, 2015. Collection method: clinical testing. Allele origin: germline. Affected: no.

Sema4
Classification: Likely benign for Hereditary cancer-predisposing syndrome. Last evaluated: 2021-01-28. Review status: criteria provided, single submitter. Criteria: Sema4 Curation Guidelines. Collection method: curation. Allele origin: germline.

GeneDx
Classification: Likely benign. Last evaluated: 2020-01-17. Review status: criteria provided, single submitter. Criteria: GeneDx Variant Classification Process June 2021. Collection method: clinical testing. Allele origin: germline. Affected: yes.
Comment: This variant is associated with the following publications: (PMID: 22810696)

Ambry Genetics
Classification: Likely benign for Hereditary cancer-predisposing syndrome. Last evaluated: 2019-05-16. Review status: criteria provided, single submitter. Criteria: Ambry Variant Classification Scheme 2023. Collection method: clinical testing. Allele origin: germline.

NM_000548.5(TSC2):c.3543G>A (p.Thr1181=)

Gene: TSC2 (TSC complex subunit 2; plus strand). Cytogenetic location: 16p13.3.
Variant type: single nucleotide variant.
Coding change: c.3543G>A on transcript NM_000548.5 (MANE Select); coding-DNA position 3543, G replaced by A.
Protein change: p.Thr1181=; no amino-acid change (threonine 1181 retained).
Molecular consequence: synonymous variant.
Genome position (GRCh38, 1-based): chr16:2,080,310, G>A. VCF-style: chr16-2080310-G-A. GRCh37 (hg19) VCF-style: chr16-2130311-G-A.
Other names: c.3411G>A, p.Thr1137= (NM_001077183.3, NM_001370404.1); c.3543G>A, p.Thr1181= (NM_001114382.3); c.3303G>A, p.Thr1101= (NM_001318827.2); c.3267G>A, p.Thr1089= (NM_001318829.2); c.2811G>A, p.Thr937= (NM_001318831.2); c.3444G>A, p.Thr1148= (NM_001318832.2); c.3414G>A, p.Thr1138= (NM_001363528.2, NM_001370405.1, NM_021055.3).
Identifiers: ClinVar variation 413686 (VCV000413686.24), dbSNP rs139313964, ClinGen allele CA16615128.